The following is an entry in ClinVar:

NM_014254.3(RXYLT1):c.128T>G (p.Leu43Arg)

Gene: RXYLT1 (ribitol xylosyltransferase 1; plus strand). Cytogenetic location: 12q14.2.
Variant type: single nucleotide variant.
Coding change: c.128T>G on transcript NM_014254.3 (MANE Select); coding-DNA position 128, T replaced by G.
Protein change: p.Leu43Arg; replaces leucine 43 with arginine.
Molecular consequence: missense variant. On other transcripts: 5 prime UTR variant (1).
Genome position (GRCh38, 1-based): chr12:63,780,088, T>G. VCF-style: chr12-63780088-T-G. GRCh37 (hg19) VCF-style: chr12-64173868-T-G.
Other names: c.-986T>G (NM_001278237.2); short protein forms L43R.
Identifiers: ClinVar variation 3157314 (VCV003157314.2), dbSNP rs2500473310, ClinGen allele CA385583981.

ClinVar aggregate classification (germline): Uncertain significance (1 of 4 stars; one submission).

Conditions:
Inborn genetic diseases. Identifiers: MedGen C0950123, MeSH D030342.

Submission:

Ambry Genetics
Classification: Uncertain significance for Inborn genetic diseases. Last evaluated: 2026-02-04. Review status: criteria provided, single submitter. Criteria: Ambry Variant Classification Scheme 2023. Collection method: clinical testing. Allele origin: germline.
Comment: The c.128T>G (p.L43R) alteration is located in exon 1 (coding exon 1) of the TMEM5 gene. This alteration results from a T to G substitution at nucleotide position 128, causing the leucine (L) at amino acid position 43 to be replaced by an arginine (R). This variant was not reported in population-based cohorts in the Genome Aggregation Database (gnomAD). This alteration is predicted to be tolerated by in silico analysis. Based on insufficient or conflicting evidence, the clinical significance of this alteration remains unclear.